The following is an entry in ClinVar:

ClinVar aggregate classification (germline): Benign/Likely benign. Review status: criteria provided, multiple submitters, no conflicts (2 of 4 stars). 9 submissions from 9 submitters: Benign (7); Likely benign (1). 1 of the submissions does not count toward it. Last evaluated 2026-01-28.

Conditions:
Cardiac arrhythmia, ankyrin-B-related. Also called: ANKYRIN-B SYNDROME. Identifiers: Orphanet 101016, Orphanet 768, MedGen C1970119, MONDO:0010958, OMIM 600919.
Long QT syndrome (LQTS). Identifiers: MedGen C0023976, MeSH D008133, MONDO:0002442. Disease mechanism: loss of function. Inheritance: Various modes of inheritance.

Allele frequency attached by ClinVar (database versions not stated): gnomAD exomes 0.00071 and 0.00186; ExAC 0.00235; gnomAD 0.00766 and 0.00812; 1000 Genomes Project 30x 0.00781; 1000 Genomes Project 0.00819; TOPMed 0.00878; ESP Exome Variant Server 0.00907.
gnomAD v4.1: 2,255 of 1,614,092 alleles (0.14%); highest among the groups gnomAD compares: African/African-American, 2.6%; 22 homozygotes.

Submissions (9):

Labcorp Genetics (formerly Invitae), Labcorp
Classification: Benign for Long QT syndrome. Last evaluated: 2026-01-28. Review status: criteria provided, single submitter. Criteria: Invitae Variant Classification Sherloc (09022015). Collection method: clinical testing. Allele origin: germline.

ARUP Laboratories, Molecular Genetics and Genomics, ARUP Laboratories
Classification: Benign. Last evaluated: 2023-09-22. Review status: criteria provided, single submitter. Criteria: ARUP Molecular Germline Variant Investigation Process 2024. Collection method: clinical testing. Allele origin: germline.

Fulgent Genetics
Classification: Likely benign for Cardiac arrhythmia, ankyrin-B-related. Last evaluated: 2022-01-11. Review status: criteria provided, single submitter. Criteria: ACMG Guidelines, 2015. Collection method: clinical testing. Allele origin: unknown.

Genome-Nilou Lab
Classification: Benign for Cardiac arrhythmia, ankyrin-B-related. Last evaluated: 2021-12-05. Review status: criteria provided, single submitter. Criteria: ACMG Guidelines, 2015. Collection method: clinical testing. Allele origin: germline. Affected: no.

Women's Health and Genetics/Laboratory Corporation of America, LabCorp
Classification: Benign. Last evaluated: 2019-09-23. Review status: criteria provided, single submitter. Criteria: LabCorp Variant Classification Summary - May 2015. Collection method: clinical testing. Allele origin: germline.
Comment: Variant summary: ANK2 c.3379+12T>G alters a non-conserved nucleotide located close to a canonical splice site and therefore could affect mRNA splicing, leading to a significantly altered protein sequence. 5/5 computational tools predict no significant impact on normal splicing. However, these predictions have yet to be confirmed by functional studies. The variant allele was found at a frequency of 0.0019 in 251208 control chromosomes in the gnomAD database, including 7 homozygotes. The observed variant frequency is approximately 185.5 fold of the estimated maximal expected allele frequency for a pathogenic variant in ANK2 causing Arrhythmia phenotype (1e-05), strongly suggesting that the variant is benign. To our knowledge, no occurrence of c.3379+12T>G in individuals affected with Arrhythmia and no experimental evidence demonstrating its impact on protein function have been reported. Two clinical diagnostic laboratories have submitted clinical-significance assessments for this variant to ClinVar after 2014 without evidence for independent evaluation. All laboratories classified the variant as benign/likely benign. Based on the evidence outlined above, the variant was classified as benign.

Illumina Laboratory Services, Illumina
Classification: Benign for Cardiac arrhythmia, ankyrin-B-related. Last evaluated: 2018-01-13. Review status: criteria provided, single submitter. Criteria: ICSL Variant Classification Criteria 13 December 2019. Collection method: clinical testing. Allele origin: germline.
Comment: This variant was observed in the ICSL laboratory as part of a predisposition screen in an ostensibly healthy population. It had not been previously curated by ICSL or reported in the Human Gene Mutation Database (HGMD: prior to June 1st, 2018), and was therefore a candidate for classification through an automated scoring system. Utilizing variant allele frequency, disease prevalence and penetrance estimates, and inheritance mode, an automated score was calculated to assess if this variant is too frequent to cause the disease. Based on the score and internal cut-off values, a variant classified as benign is not then subjected to further curation. The score for this variant resulted in a classification of benign for this disease.

Genome Diagnostics Laboratory, University Medical Center Utrecht
Classification: Benign for Cardiac arrhythmia, ankyrin-B-related. Last evaluated: 2016-08-24. Review status: criteria provided, single submitter. Criteria: ACGS Guidelines, 2013. Collection method: clinical testing. Allele origin: germline. Affected: yes. Study: VKGL Data-share Consensus.

GeneDx
Classification: Benign. Last evaluated: 2015-03-03. Review status: criteria provided, single submitter. Criteria: GeneDx Variant Classification Process June 2021. Collection method: clinical testing. Allele origin: germline. Affected: yes.

Clinical Genetics, Academic Medical Center
Classification: Benign. Review status: no assertion criteria provided. Collection method: clinical testing. Allele origin: germline. Affected: yes. Study: VKGL Data-share Consensus. Not counted in ClinVar's aggregate classification.

NM_001148.6(ANK2):c.3379+12T>G

Gene: ANK2 (ankyrin 2; plus strand). Cytogenetic location: 4q26.
Variant type: single nucleotide variant.
Coding change: c.3379+12T>G on transcript NM_001148.6 (MANE Select); 12 bases into the intron after coding-DNA position 3379, T replaced by G.
Molecular consequence: intron variant.
Genome position (GRCh38, 1-based): chr4:113,333,220, T>G. VCF-style: chr4-113333220-T-G. GRCh37 (hg19) VCF-style: chr4-114254376-T-G.
Other names: c.3364+12T>G (NM_001386186.2, NM_001386148.2); c.3166+12T>G (NM_001354269.3); c.3244+12T>G (NM_001386187.2); c.3238+12T>G (NM_001386147.1, NM_001354261.2); c.3223+12T>G (NM_001386160.1); c.3328+12T>G (NM_001354254.2); c.3349+12T>G (NM_001354239.2, NM_001354252.2); c.3250+12T>G (NM_001354272.2); and 28 more.
Identifiers: ClinVar variation 347318 (VCV000347318.29), dbSNP rs139528815, ClinGen allele CA3050830.
Genomic context (GRCh38, chr4:113,333,220, plus strand): 5'-GACTACACTGAAGATGAATTGAATGAAATTCTTAACGGCATGGATGAAGGTACTTTCAGA[T>G]GAAGCGTTTTAAAAGAAATCTAAACTGGAAGCATGAAAATGATTCATTTCTTTCTTATGA-3'